The following is an entry in ClinVar:

ClinVar aggregate classification (germline): Uncertain significance (1 of 4 stars; one submission).

gnomAD v4.1: 4 of 1,612,336 alleles (0.00025%); highest among the groups gnomAD compares: Admixed American, 0.0017%; no homozygotes.

Submission:

GeneDx
Classification: Uncertain significance. Last evaluated: 2019-12-18. Review status: criteria provided, single submitter. Criteria: GeneDx Variant Classification Process June 2021. Collection method: clinical testing. Allele origin: germline. Affected: yes.
Comment: Not observed in large population cohorts (Lek et al., 2016); In silico analysis, which includes protein predictors and evolutionary conservation, supports that this variant does not alter protein structure/function; Has not been previously published as pathogenic or benign to our knowledge

NM_002972.4(SBF1):c.4240C>G (p.Leu1414Val)

Gene: SBF1 (SET binding factor 1; minus strand). Cytogenetic location: 22q13.33.
Variant type: single nucleotide variant.
Coding change: c.4240C>G on transcript NM_002972.4 (MANE Select); coding-DNA position 4240, C replaced by G.
Protein change: p.Leu1414Val; replaces leucine 1414 with valine.
Molecular consequence: missense variant.
Genome position (GRCh38, 1-based): chr22:50,456,242, G>C on the plus strand (C>G on the coding strand, the complement: SBF1 is on the minus strand). VCF-style: chr22-50456242-G-C. GRCh37 (hg19) VCF-style: chr22-50894671-G-C.
Other names: c.4165C>G, p.Leu1389Val (NM_001365819.1); short protein forms L1414V, L1389V.
Identifiers: ClinVar variation 451347 (VCV000451347.3), dbSNP rs182138894, ClinGen allele CA412198509.